The following is an entry in ClinVar:

ClinVar aggregate classification (germline): Uncertain significance (1 of 4 stars; one submission).

Submission:

Labcorp Genetics (formerly Invitae), Labcorp
Classification: Uncertain significance. Last evaluated: 2021-05-08. Review status: criteria provided, single submitter. Criteria: Invitae Variant Classification Sherloc (09022015). Collection method: clinical testing. Allele origin: germline.
Comment: In summary, the available evidence is currently insufficient to determine the role of this variant in disease. Therefore, it has been classified as a Variant of Uncertain Significance. Experimental studies and prediction algorithms are not available or were not evaluated, and the functional significance of this variant is currently unknown. This variant has not been reported in the literature in individuals with PCLO-related conditions. The frequency data for this variant in the population databases is considered unreliable, as metrics indicate insufficient coverage at this position in the ExAC database. This variant, c.7251_7253dup, results in the insertion of 1 amino acid(s) to the PCLO protein (p.Pro2426dup), but otherwise preserves the integrity of the reading frame.

NM_033026.6(PCLO):c.7239TCC[6] (p.Pro2426dup)

Gene: PCLO (piccolo presynaptic cytomatrix protein; minus strand). Cytogenetic location: 7q21.11.
Variant type: Microsatellite.
Coding change: c.7239TCC[6] on transcript NM_033026.6 (MANE Select); six copies in a row of the 3-base unit TCC starting at c.7239; the reference has five copies in a row; one copy, 3 bases duplicated.
Protein change: p.Pro2426dup; duplicates proline 2426.
Molecular consequence: inframe insertion.
Genome position (GRCh38, 1-based): chr7:82,953,700-82,953,702, GGA duplicated on the plus strand (TCC on the coding strand, the reverse complement: PCLO is on the minus strand); duplicating any 3 consecutive bases within chr7:82,953,700-82,953,716 gives the same sequence; the position shown is the placement nearest the transcript's 3' end. VCF-style (leftmost placement, unchanged base first): chr7-82953699-T-TGGA. GRCh37 (hg19) VCF-style: chr7-82583015-T-TGGA.
Other names: c.7239TCC[6], p.Pro2426dup (NM_014510.3).
Identifiers: ClinVar variation 1352306 (VCV001352306.7), dbSNP rs756571448, ClinGen allele CA1721471014.
Genomic context (GRCh38, chr7:82,953,699, plus strand): 5'-AAGAATAGTTGGTTTAGGTGAAGTTGGTGGAGGAAGTGGTGGGGGAGGAGGGGGTGGTGG[T>TGGA]GGAGGAGGAGGAGGAGGGGGAGGGGGAGGAGGGGGAGGAGGTTGAGCTGATATATCCAAA-3'